The following is an entry in ClinVar:

ClinVar aggregate classification (germline): Uncertain significance. Review status: criteria provided, multiple submitters, no conflicts (2 of 4 stars). 2 submissions from 2 submitters: Uncertain significance (2). Last evaluated 2022-08-22.

Conditions:
Dyskeratosis congenita, autosomal dominant 6 (DKCA6). Identifiers: Orphanet 3322, MedGen C4225284, MONDO:0014690, OMIM 616553.
Inborn genetic diseases. Identifiers: MedGen C0950123, MeSH D030342.

Submissions (2):

Ambry Genetics
Classification: Uncertain significance for Inborn genetic diseases. Last evaluated: 2022-08-22. Review status: criteria provided, single submitter. Criteria: Ambry Variant Classification Scheme 2023. Collection method: clinical testing. Allele origin: germline.
Comment: The p.Q428R variant (also known as c.1283A>G), located in coding exon 10 of the ACD gene, results from an A to G substitution at nucleotide position 1283. The glutamine at codon 428 is replaced by arginine, an amino acid with highly similar properties. This amino acid position is conserved. In addition, this alteration is predicted to be tolerated by in silico analysis. Since supporting evidence is limited at this time, the clinical significance of this alteration remains unclear.

Labcorp Genetics (formerly Invitae), Labcorp
Classification: Uncertain significance for Dyskeratosis congenita, autosomal dominant 6. Last evaluated: 2020-03-06. Review status: criteria provided, single submitter. Criteria: Invitae Variant Classification Sherloc (09022015). Collection method: clinical testing. Allele origin: germline.
Comment: This sequence change replaces glutamine with arginine at codon 428 of the ACD protein (p.Gln428Arg). The glutamine residue is weakly conserved and there is a small physicochemical difference between glutamine and arginine. This variant is not present in population databases (ExAC no frequency). This variant has not been reported in the literature in individuals with ACD-related disease. Algorithms developed to predict the effect of missense changes on protein structure and function (SIFT, PolyPhen-2, Align-GVGD) all suggest that this variant is likely to be tolerated, but these predictions have not been confirmed by published functional studies and their clinical significance is uncertain. In summary, the available evidence is currently insufficient to determine the role of this variant in disease. Therefore, it has been classified as a Variant of Uncertain Significance.

NM_001082486.2(ACD):c.1025A>G (p.Gln342Arg)

Gene: ACD (ACD shelterin complex subunit and telomerase recruitment factor; minus strand). Cytogenetic location: 16q22.1.
Variant type: single nucleotide variant.
Coding change: c.1025A>G on transcript NM_001082486.2 (MANE Select); coding-DNA position 1025, A replaced by G.
Protein change: p.Gln342Arg; replaces glutamine 342 with arginine.
Molecular consequence: missense variant.
Genome position (GRCh38, 1-based): chr16:67,658,167, T>C on the plus strand (A>G on the coding strand, the complement: ACD is on the minus strand). VCF-style: chr16-67658167-T-C. GRCh37 (hg19) VCF-style: chr16-67692070-T-C.
Other names: c.1025A>G, p.Gln342Arg (LRG_1237t1); c.1016A>G, p.Gln339Arg (NM_022914.3); short protein forms Q342R, Q339R.
Identifiers: ClinVar variation 568882 (VCV000568882.10), dbSNP rs1567640107, ClinGen allele CA396352454.